The following is an entry in ClinVar:

ClinVar aggregate classification (germline): Likely benign (1 of 4 stars; one submission).

Submission:

GeneDx
Classification: Likely benign. Last evaluated: 2016-07-25. Review status: criteria provided, single submitter. Criteria: GeneDx Variant Classification (06012015). Collection method: clinical testing. Allele origin: germline. Affected: yes.
Comment: This variant is considered likely benign or benign based on one or more of the following criteria: it is a conservative change, it occurs at a poorly conserved position in the protein, it is predicted to be benign by multiple in silico algorithms, and/or has population frequency not consistent with disease.

NM_001243279.3(ACSF3):c.-15C>G

Gene: ACSF3 (acyl-CoA synthetase family member 3; plus strand). Cytogenetic location: 16q24.3.
Variant type: single nucleotide variant.
Coding change: c.-15C>G on transcript NM_001243279.3 (MANE Select); 15 bases upstream of the start codon, C replaced by G.
Molecular consequence: 5 prime UTR variant. On other transcripts: non-coding transcript variant (3), intron variant (1).
Genome position (GRCh38, 1-based): chr16:89,100,667, C>G. VCF-style: chr16-89100667-C-G. GRCh37 (hg19) VCF-style: chr16-89167075-C-G.
Other names: c.-15C>G (NM_001127214.4, NM_174917.5); c.-129-1937C>G (NM_001284316.2).
Identifiers: ClinVar variation 377430 (VCV000377430.1), dbSNP rs115469156, ClinGen allele CA16608314.